The following is an entry in ClinVar:

ClinVar aggregate classification (germline): Likely benign. Review status: criteria provided, multiple submitters, no conflicts (2 of 4 stars). 3 submissions from 3 submitters: Likely benign (3). Last evaluated 2025-04-24.

Conditions:
Tuberous sclerosis 1 (TSC1). Identifiers: Orphanet 805, MedGen C1854465, MONDO:0008612, OMIM 191100.

Allele frequency attached by ClinVar (database versions not stated): gnomAD exomes below 0.00001.
gnomAD v4.1: 1 of 1,613,530 alleles (0.000062%); highest among the groups gnomAD compares: Non-Finnish European, 0.000085%; no homozygotes.

Submissions (3):

Myriad Genetics, Inc.
Classification: Likely benign for Tuberous sclerosis 1. Last evaluated: 2025-04-24. Review status: criteria provided, single submitter. Criteria: Myriad Autosomal Dominant, Autosomal Recessive and X-Linked Classification Criteria (2023). Collection method: clinical testing. Allele origin: unknown.
Comment: This variant is considered likely benign. This variant is intronic and is not expected to impact mRNA splicing.

Labcorp Genetics (formerly Invitae), Labcorp
Classification: Likely benign for Tuberous sclerosis 1. Last evaluated: 2024-07-18. Review status: criteria provided, single submitter. Criteria: Invitae Variant Classification Sherloc (09022015). Collection method: clinical testing. Allele origin: germline.

Blueprint Genetics
Classification: Likely benign. Last evaluated: 2021-03-23. Review status: criteria provided, single submitter. Criteria: ACMG Guidelines, 2015. Collection method: clinical testing. Allele origin: germline.

NM_000368.5(TSC1):c.2042-19C>T

Gene: TSC1 (TSC complex subunit 1; minus strand). Cytogenetic location: 9q34.13.
Variant type: single nucleotide variant.
Coding change: c.2042-19C>T on transcript NM_000368.5 (MANE Select); 19 bases into the intron before coding-DNA position 2042, C replaced by T.
Molecular consequence: intron variant.
Genome position (GRCh38, 1-based): chr9:132,903,836, G>A on the plus strand (C>T on the coding strand, the complement: TSC1 is on the minus strand). VCF-style: chr9-132903836-G-A. GRCh37 (hg19) VCF-style: chr9-135779223-G-A.
Other names: c.1679-19C>T (NM_001362177.2); c.1889-19C>T (NM_001162427.2); c.2039-19C>T (NM_001162426.2).
Identifiers: ClinVar variation 2055969 (VCV002055969.6), dbSNP rs2131775834, ClinGen allele CA2580080159.